The following is an entry in ClinVar:

ClinVar aggregate classification (germline): Likely benign. Review status: criteria provided, multiple submitters, no conflicts (2 of 4 stars). 5 submissions from 5 submitters: Likely benign (5). Last evaluated 2026-01-18.

Conditions:
Maple syrup urine disease (MSUD). Identifiers: Orphanet 511, MedGen C0024776, MeSH D008375, MONDO:0009563. Disease mechanism: loss of function.

Allele frequency attached by ClinVar (database versions not stated): ExAC 0.00016; gnomAD exomes 0.00018 and 0.00006; 1000 Genomes Project 0.00020; 1000 Genomes Project 30x 0.00031; TOPMed 0.00007; ESP Exome Variant Server 0.00008; gnomAD 0.00009 and 0.00013.
gnomAD v4.1: 126 of 1,614,174 alleles (0.0078%); highest among the groups gnomAD compares: East Asian, 0.089%; no homozygotes.

Submissions (5):

Labcorp Genetics (formerly Invitae), Labcorp
Classification: Likely benign for Maple syrup urine disease. Last evaluated: 2026-01-18. Review status: criteria provided, single submitter. Criteria: Invitae Variant Classification Sherloc (09022015). Collection method: clinical testing. Allele origin: germline.

Blueprint Genetics
Classification: Likely benign. Last evaluated: 2024-02-23. Review status: criteria provided, single submitter. Criteria: ACMG Guidelines, 2015. Collection method: clinical testing. Allele origin: germline.

Fulgent Genetics
Classification: Likely benign for Maple syrup urine disease type 1A. Last evaluated: 2021-11-16. Review status: criteria provided, single submitter. Criteria: ACMG Guidelines, 2015. Collection method: clinical testing. Allele origin: unknown.

CeGaT Center for Human Genetics Tuebingen
Classification: Likely benign. Last evaluated: 2021-11-01. Review status: criteria provided, single submitter. Criteria: CeGaT Center For Human Genetics Tuebingen Variant Classification Criteria Version 2. Collection method: clinical testing. Allele origin: germline. Affected: yes. Observed: 1 variant allele.

GeneDx
Classification: Likely benign. Last evaluated: 2018-02-08. Review status: criteria provided, single submitter. Criteria: GeneDx Variant Classification (06012015). Collection method: clinical testing. Allele origin: germline. Affected: yes.
Comment: This variant is considered likely benign or benign based on one or more of the following criteria: it is a conservative change, it occurs at a poorly conserved position in the protein, it is predicted to be benign by multiple in silico algorithms, and/or has population frequency not consistent with disease.

NM_000709.4(BCKDHA):c.1233C>T (p.Asp411=)

Gene: BCKDHA (branched chain keto acid dehydrogenase E1 subunit alpha; plus strand). Cytogenetic location: 19q13.2.
Variant type: single nucleotide variant.
Coding change: c.1233C>T on transcript NM_000709.4 (MANE Select); coding-DNA position 1233, C replaced by T.
Protein change: p.Asp411=; no amino-acid change (aspartic acid 411 retained).
Molecular consequence: synonymous variant.
Genome position (GRCh38, 1-based): chr19:41,424,503, C>T. VCF-style: chr19-41424503-C-T. GRCh37 (hg19) VCF-style: chr19-41930408-C-T.
Other names: c.1230C>T, p.Asp410= (NM_001164783.2).
Identifiers: ClinVar variation 514918 (VCV000514918.47), dbSNP rs200363605, ClinGen allele CA9461410.
Genomic context (GRCh38, chr19:41,424,503, plus strand): 5'-GGAGGCCTTTGAGCAGGCCGAGCGGAAGCCCAAACCCAACCCCAACCTACTCTTCTCAGA[C>T]GTGTATCAGGAGATGCCCGCCCAGCTCCGCAAGCAGCAGGAGTCTCTGGCCCGCCACCTG-3'
Protein context (NP_000700.1, residues 401-421): PKPNPNLLFS[Asp411=]VYQEMPAQLR